The following is an entry in ClinVar:

ClinVar aggregate classification (germline): Pathogenic/Likely pathogenic. Review status: criteria provided, multiple submitters, no conflicts (2 of 4 stars). 3 submissions from 3 submitters: Pathogenic (2); Likely pathogenic (1). Last evaluated 2022-02-20.

Conditions:
Cohen syndrome (COH1). Also called: PEPPER SYNDROME; Cutis verticis gyrata, retinitis pigmentosa, and sensorineural deafness. Identifiers: Orphanet 193, MedGen C0265223, MONDO:0008999, OMIM 216550.
Abnormality of the nervous system. Also called: Congenital nervous system disorder. Identifiers: MedGen C0497552, MONDO:0002320, HP:0000707.

Submissions (3):

Labcorp Genetics (formerly Invitae), Labcorp
Classification: Pathogenic for Cohen syndrome. Last evaluated: 2022-02-20. Review status: criteria provided, single submitter. Criteria: Invitae Variant Classification Sherloc (09022015). Collection method: clinical testing. Allele origin: germline.
Comment: This sequence change creates a premature translational stop signal (p.Gln2311*) in the VPS13B gene. It is expected to result in an absent or disrupted protein product. Loss-of-function variants in VPS13B are known to be pathogenic (PMID: 15141358, 16648375, 20461111). This variant is not present in population databases (gnomAD no frequency). This variant has not been reported in the literature in individuals affected with VPS13B-related conditions. ClinVar contains an entry for this variant (Variation ID: 915394). For these reasons, this variant has been classified as Pathogenic.

Kariminejad - Najmabadi Pathology & Genetics Center
Classification: Likely pathogenic for Abnormality of the nervous system. Last evaluated: 2021-07-10. Review status: criteria provided, single submitter. Criteria: ACMG Guidelines, 2015. Collection method: clinical testing. Allele origin: germline. Affected: yes.

Genomic Research Center, Shahid Beheshti University of Medical Sciences
Classification: Pathogenic. Last evaluated: 2020-05-03. Review status: criteria provided, single submitter. Criteria: ACMG Guidelines, 2015. Collection method: clinical testing. Allele origin: unknown. Affected: no.

Literature cited by the submitters: PubMed 15141358 (cited by Labcorp Genetics (formerly Invitae), Labcorp); PubMed 16648375 (cited by Labcorp Genetics (formerly Invitae), Labcorp); PubMed 20461111 (cited by Labcorp Genetics (formerly Invitae), Labcorp).

NM_152564.5(VPS13B):c.6856C>T (p.Gln2286Ter)

Gene: VPS13B (vacuolar protein sorting 13 homolog B; plus strand). Cytogenetic location: 8q22.2.
Variant type: single nucleotide variant.
Coding change: c.6856C>T on transcript NM_152564.5 (MANE Select); coding-DNA position 6856, C replaced by T.
Protein change: p.Gln2286Ter; replaces glutamine 2286 with a stop codon.
Molecular consequence: nonsense.
Genome position (GRCh38, 1-based): chr8:99,720,543, C>T. VCF-style: chr8-99720543-C-T. GRCh37 (hg19) VCF-style: chr8-100732771-C-T.
Other names: c.6931C>T, p.Gln2311Ter (NM_017890.5); short protein forms Q2286*, Q2311*.
Identifiers: ClinVar variation 915394 (VCV000915394.28), dbSNP rs1833092121, ClinGen allele CA371867963.